The following is an entry in ClinVar:

NM_018474.6(KIZ):c.1483T>G (p.Cys495Gly)

Genes: KIZ (kizuna centrosomal protein; plus strand), KIZ-AS1 (KIZ antisense RNA 1; minus strand). Cytogenetic location: 20p11.23.
Variant type: single nucleotide variant.
Coding change: c.1483T>G on transcript NM_018474.6 (MANE Select); coding-DNA position 1483, T replaced by G.
Protein change: p.Cys495Gly; replaces cysteine 495 with glycine.
Molecular consequence: missense variant.
Genome position (GRCh38, 1-based): chr20:21,214,571, T>G. VCF-style: chr20-21214571-T-G. GRCh37 (hg19) VCF-style: chr20-21195209-T-G.
Other names: c.1174T>G, p.Cys392Gly (NM_001163022.3); c.1084T>G, p.Cys362Gly (NM_001163023.3); c.1336T>G, p.Cys446Gly (NM_001276389.2); c.1429T>G, p.Cys477Gly (NM_001352434.2); c.1120T>G, p.Cys374Gly (NM_001352435.2); c.1141T>G, p.Cys381Gly (NM_001352436.2); short protein forms C362G, C381G, C392G, C495G, C374G, C446G, C477G.
Identifiers: ClinVar variation 2021043 (VCV002021043.3), dbSNP rs879081967, ClinGen allele CA408490644.

ClinVar aggregate classification (germline): Uncertain significance (1 of 4 stars; one submission).

Allele frequency attached by ClinVar (database versions not stated): TOPMed below 0.00001.
gnomAD v4.1: 2 of 1,613,544 alleles (0.00012%); highest among the groups gnomAD compares: Admixed American, 0.0033%; no homozygotes.

Submission:

Labcorp Genetics (formerly Invitae), Labcorp
Classification: Uncertain significance. Last evaluated: 2023-10-02. Review status: criteria provided, single submitter. Criteria: Invitae Variant Classification Sherloc (09022015). Collection method: clinical testing. Allele origin: germline.
Comment: This sequence change replaces cysteine, which is neutral and slightly polar, with glycine, which is neutral and non-polar, at codon 495 of the KIZ protein (p.Cys495Gly). This variant is present in population databases (no rsID available, gnomAD 0.006%). This variant has not been reported in the literature in individuals affected with KIZ-related conditions. ClinVar contains an entry for this variant (Variation ID: 2021043). Experimental studies and prediction algorithms are not available or were not evaluated, and the functional significance of this variant is currently unknown. In summary, the available evidence is currently insufficient to determine the role of this variant in disease. Therefore, it has been classified as a Variant of Uncertain Significance.